The following is an entry in ClinVar:

ClinVar aggregate classification (germline): Uncertain significance. Review status: criteria provided, multiple submitters, no conflicts (2 of 4 stars). 4 submissions from 4 submitters: Uncertain significance (4). Last evaluated 2025-03-26.

Conditions:
Inborn genetic diseases. Identifiers: MedGen C0950123, MeSH D030342.

Allele frequency attached by ClinVar (database versions not stated): gnomAD 0.00006; ExAC 0.00007; gnomAD exomes 0.00008 and 0.00009; TOPMed 0.00008.
gnomAD v4.1: 126 of 1,613,996 alleles (0.0078%); highest among the groups gnomAD compares: Admixed American, 0.013%; no homozygotes.

Submissions (4):

Ambry Genetics
Classification: Uncertain significance for Inborn genetic diseases. Last evaluated: 2025-03-26. Review status: criteria provided, single submitter. Criteria: Ambry Variant Classification Scheme 2023. Collection method: clinical testing. Allele origin: germline.

Mayo Clinic Laboratories, Mayo Clinic
Classification: Uncertain significance. Last evaluated: 2025-02-13. Review status: criteria provided, single submitter. Criteria: ACMG Guidelines, 2015. Collection method: clinical testing. Allele origin: germline. Observed: 1 variant allele.
Comment: BP4

Blueprint Genetics
Classification: Uncertain significance. Last evaluated: 2024-10-23. Review status: criteria provided, single submitter. Criteria: ACMG Guidelines, 2015. Collection method: clinical testing. Allele origin: germline.

Labcorp Genetics (formerly Invitae), Labcorp
Classification: Uncertain significance. Last evaluated: 2023-09-06. Review status: criteria provided, single submitter. Criteria: Invitae Variant Classification Sherloc (09022015). Collection method: clinical testing. Allele origin: germline.
Comment: In summary, the available evidence is currently insufficient to determine the role of this variant in disease. Therefore, it has been classified as a Variant of Uncertain Significance. Advanced modeling of protein sequence and biophysical properties (such as structural, functional, and spatial information, amino acid conservation, physicochemical variation, residue mobility, and thermodynamic stability) performed at Invitae indicates that this missense variant is not expected to disrupt DNAH9 protein function. ClinVar contains an entry for this variant (Variation ID: 1492920). This variant has not been reported in the literature in individuals affected with DNAH9-related conditions. This variant is present in population databases (rs779511750, gnomAD 0.02%). This sequence change replaces arginine, which is basic and polar, with glutamine, which is neutral and polar, at codon 4043 of the DNAH9 protein (p.Arg4043Gln).

NM_001372.4(DNAH9):c.12128G>A (p.Arg4043Gln)

Gene: DNAH9 (dynein axonemal heavy chain 9; plus strand). Cytogenetic location: 17p12.
Variant type: single nucleotide variant.
Coding change: c.12128G>A on transcript NM_001372.4 (MANE Select); coding-DNA position 12128, G replaced by A.
Protein change: p.Arg4043Gln; replaces arginine 4043 with glutamine.
Molecular consequence: missense variant.
Genome position (GRCh38, 1-based): chr17:11,932,036, G>A. VCF-style: chr17-11932036-G-A. GRCh37 (hg19) VCF-style: chr17-11835353-G-A.
Other names: p.Arg4043Gln; c.1064G>A, p.Arg355Gln (NM_004662.2); c.12128G>A (NM_001372.3); short protein forms R355Q, R4043Q.
Identifiers: ClinVar variation 1492920 (VCV001492920.7), dbSNP rs779511750, ClinGen allele CA8398070.
Genomic context (GRCh38, chr17:11,932,036, plus strand): 5'-GTTGTGTGCGAACCTTAAAAGCGACACTCTCATTTCAGGACACTCTGGAGATGTGTTCTC[G>A]GGAGACGGAGTTTAAGAGCATCCTCTTTGCTCTTTGTTACTTCCATGCGGTGGTGGCAGA-3'
Protein context (NP_001363.2, residues 4033-4053): FTQDTLEMCS[Arg4043Gln]ETEFKSILFA